The following is an entry in ClinVar:

NM_000465.4(BARD1):c.137A>G (p.Lys46Arg)

Gene: BARD1 (BRCA1 associated RING domain 1; minus strand). Cytogenetic location: 2q35.
Variant type: single nucleotide variant.
Coding change: c.137A>G on transcript NM_000465.4 (MANE Select); coding-DNA position 137, A replaced by G.
Protein change: p.Lys46Arg; replaces lysine 46 with arginine.
Molecular consequence: missense variant. On other transcripts: non-coding transcript variant (3).
Genome position (GRCh38, 1-based): chr2:214,809,433, T>C on the plus strand (A>G on the coding strand, the complement: BARD1 is on the minus strand). VCF-style: chr2-214809433-T-C. GRCh37 (hg19) VCF-style: chr2-215674157-T-C.
Other names: c.137A>G, p.Lys46Arg (NM_001282543.2, NM_001282545.2, NM_001282548.2 and 1 more transcripts); short protein forms K46R.
Identifiers: ClinVar variation 2701995 (VCV002701995.3), dbSNP rs2469637650, ClinGen allele CA350464850.

ClinVar aggregate classification (germline): Uncertain significance (1 of 4 stars; one submission).

Conditions:
Familial cancer of breast. Also called: Hereditary breast cancer; BREAST CANCER, FAMILIAL; hereditary breast carcinoma. Identifiers: Orphanet 227535, MedGen C0346153, MONDO:0016419, OMIM 114480. Disease mechanism: loss of function.

Submission:

Labcorp Genetics (formerly Invitae), Labcorp
Classification: Uncertain significance for Familial cancer of breast. Last evaluated: 2023-12-10. Review status: criteria provided, single submitter. Criteria: Invitae Variant Classification Sherloc (09022015). Collection method: clinical testing. Allele origin: germline.
Comment: This sequence change replaces lysine, which is basic and polar, with arginine, which is basic and polar, at codon 46 of the BARD1 protein (p.Lys46Arg). This variant is not present in population databases (gnomAD no frequency). This variant has not been reported in the literature in individuals affected with BARD1-related conditions. Algorithms developed to predict the effect of missense changes on protein structure and function output the following: SIFT: "Not Available"; PolyPhen-2: "Benign"; Align-GVGD: "Not Available". The arginine amino acid residue is found in multiple mammalian species, which suggests that this missense change does not adversely affect protein function. In summary, the available evidence is currently insufficient to determine the role of this variant in disease. Therefore, it has been classified as a Variant of Uncertain Significance.